The following is an entry in ClinVar:

ClinVar aggregate classification (germline): Uncertain significance (1 of 4 stars; one submission).

Allele frequency attached by ClinVar (database versions not stated): gnomAD 0.00001; gnomAD exomes 0.00001; TOPMed 0.00001.

Submission:

GeneDx
Classification: Uncertain significance. Last evaluated: 2019-08-02. Review status: criteria provided, single submitter. Criteria: GeneDx Variant Classification Process June 2021. Collection method: clinical testing. Allele origin: germline. Affected: yes.
Comment: Not observed at a significant frequency in large population cohorts (Lek et al., 2016); In silico analysis, which includes protein predictors and evolutionary conservation, supports a deleterious effect. In-silico splice predictors are inconclusive as to whether the variant alters gene splicing. In the absence of RNA/functional studies, the actual effect of this sequence change is unknown; Has not been previously published as pathogenic or benign to our knowledge

NM_201525.4(ADGRG1):c.41T>C (p.Leu14Pro)

Gene: ADGRG1 (adhesion G protein-coupled receptor G1; plus strand). Cytogenetic location: 16q21.
Variant type: single nucleotide variant.
Coding change: c.41T>C on transcript NM_201525.4 (MANE Select); coding-DNA position 41, T replaced by C.
Protein change: p.Leu14Pro; replaces leucine 14 with proline.
Molecular consequence: missense variant. On other transcripts: 5 prime UTR variant (4), intron variant (1).
Genome position (GRCh38, 1-based): chr16:57,650,328, T>C. VCF-style: chr16-57650328-T-C. GRCh37 (hg19) VCF-style: chr16-57684240-T-C.
Other names: c.41T>C, p.Leu14Pro (NM_001145770.3, NM_001145771.3, NM_001145772.3 and 20 more transcripts); c.-442T>C (NM_001290143.2, NM_001290144.2, NM_001370451.1); c.-526T>C (NM_001370453.1); c.-414-919T>C (NM_001370454.1); short protein forms L14P.
Identifiers: ClinVar variation 1304834 (VCV001304834.2), dbSNP rs1417033167, ClinGen allele CA396040329.